The following is an entry in ClinVar:

ClinVar aggregate classification (germline): Conflicting classifications of pathogenicity. Review status: criteria provided, conflicting classifications (1 of 4 stars). 2 submissions from 2 submitters: Uncertain significance (1); Likely benign (1). Last evaluated 2023-02-16.

Allele frequency attached by ClinVar (database versions not stated): gnomAD exomes below 0.00001.
gnomAD v4.1: 6 of 1,612,352 alleles (0.00037%); highest among the groups gnomAD compares: Non-Finnish European, 0.00042%; no homozygotes.

Submissions (2):

Athena Diagnostics
Classification: Uncertain significance. Last evaluated: 2023-02-16. Review status: criteria provided, single submitter. Criteria: Athena Diagnostics Criteria. Collection method: clinical testing. Allele origin: unknown.
Comment: Available data are insufficient to determine the clinical significance of the variant at this time. The frequency of this variant in the general population is uninformative in assessment of its pathogenicity. Computational tools yielded predictions that this variant is unlikely to have an effect on normal RNA splicing.

GeneDx
Classification: Likely benign. Last evaluated: 2016-12-08. Review status: criteria provided, single submitter. Criteria: GeneDx Variant Classification (06012015). Collection method: clinical testing. Allele origin: germline. Affected: yes.
Comment: This variant is considered likely benign or benign based on one or more of the following criteria: it is a conservative change, it occurs at a poorly conserved position in the protein, it is predicted to be benign by multiple in silico algorithms, and/or has population frequency not consistent with disease.

NM_030962.4(SBF2):c.3652+6C>T

Gene: SBF2 (SET binding factor 2; minus strand). Cytogenetic location: 11p15.4.
Variant type: single nucleotide variant.
Coding change: c.3652+6C>T on transcript NM_030962.4 (MANE Select); 6 bases into the intron after coding-DNA position 3652, C replaced by T.
Molecular consequence: intron variant.
Genome position (GRCh38, 1-based): chr11:9,832,218, G>A on the plus strand (C>T on the coding strand, the complement: SBF2 is on the minus strand). VCF-style: chr11-9832218-G-A. GRCh37 (hg19) VCF-style: chr11-9853765-G-A.
Other names: c.3523+6C>T (NM_001386342.1); c.3652+6C>T (NM_001386339.1).
Identifiers: ClinVar variation 391342 (VCV000391342.2), dbSNP rs1057524041, ClinGen allele CA16606048.